The following is an entry in ClinVar:

NM_000153.4(GALC):c.65G>C (p.Gly22Ala)

Gene: GALC (galactosylceramidase; minus strand). Cytogenetic location: 14q31.3.
Variant type: single nucleotide variant.
Coding change: c.65G>C on transcript NM_000153.4 (MANE Select); coding-DNA position 65, G replaced by C.
Protein change: p.Gly22Ala; replaces glycine 22 with alanine.
Molecular consequence: missense variant. On other transcripts: intron variant (1).
Genome position (GRCh38, 1-based): chr14:87,993,100, C>G on the plus strand (G>C on the coding strand, the complement: GALC is on the minus strand). VCF-style: chr14-87993100-C-G. GRCh37 (hg19) VCF-style: chr14-88459444-C-G.
Other names: c.65G>C, p.Gly22Ala (NM_001201401.2); c.117+283G>C (NM_001201402.2); short protein forms G22A.
Identifiers: ClinVar variation 990853 (VCV000990853.5), dbSNP rs372285275, ClinGen allele CA390771976.

ClinVar aggregate classification (germline): Uncertain significance. Review status: criteria provided, single submitter (1 of 4 stars). 2 submissions from 2 submitters: Uncertain significance (1). 1 of the submissions does not count toward it. Last evaluated 2026-01-05.

Conditions:
Galactosylceramide beta-galactosidase deficiency. Also called: Krabbe Disease; GALACTOCEREBROSIDASE DEFICIENCY; GALC DEFICIENCY; GLOBOID CELL LEUKOENCEPHALOPATHY; Leukodystrophy, Globoid Cell. Identifiers: Orphanet 487, MedGen C0023521, MONDO:0009499, OMIM 245200.

Allele frequency attached by ClinVar (database versions not stated): TOPMed 0.00002.

Submissions (2):

Labcorp Genetics (formerly Invitae), Labcorp
Classification: Uncertain significance for Galactosylceramide beta-galactosidase deficiency. Last evaluated: 2026-01-05. Review status: criteria provided, single submitter. Criteria: Invitae Variant Classification Sherloc (09022015). Collection method: clinical testing. Allele origin: germline.
Comment: This sequence change replaces glycine, which is neutral and non-polar, with alanine, which is neutral and non-polar, at codon 22 of the GALC protein (p.Gly22Ala). The frequency data for this variant in the population databases is considered unreliable, as metrics indicate poor data quality at this position in the gnomAD database. This variant has not been reported in the literature in individuals affected with GALC-related conditions. ClinVar contains an entry for this variant (Variation ID: 990853). Invitae Evidence Modeling of protein sequence and biophysical properties (such as structural, functional, and spatial information, amino acid conservation, physicochemical variation, residue mobility, and thermodynamic stability) has been performed for this missense variant. However, the output from this modeling did not meet the statistical confidence thresholds required to predict the impact of this variant on GALC protein function. In summary, the available evidence is currently insufficient to determine the role of this variant in disease. Therefore, it has been classified as a Variant of Uncertain Significance.

Natera, Inc.
Classification: Uncertain significance for Galactosylceramide beta-galactosidase deficiency. Last evaluated: 2020-04-18. Review status: no assertion criteria provided. Collection method: clinical testing. Allele origin: germline. Not counted in ClinVar's aggregate classification.